The following is an entry in ClinVar:

NM_001853.4(COL9A3):c.631-45G>A

Gene: COL9A3 (collagen type IX alpha 3 chain; plus strand). Cytogenetic location: 20q13.33.
Variant type: single nucleotide variant.
Coding change: c.631-45G>A on transcript NM_001853.4 (MANE Select); 45 bases into the intron before coding-DNA position 631, G replaced by A.
Molecular consequence: intron variant.
Genome position (GRCh38, 1-based): chr20:62,825,772, G>A. VCF-style: chr20-62825772-G-A. GRCh37 (hg19) VCF-style: chr20-61457124-G-A.
Other names: c.631-45G>A (LRG_1253t1).
Identifiers: ClinVar variation 258429 (VCV000258429.3), dbSNP rs36094661, ClinGen allele CA9949409.

ClinVar aggregate classification (germline): Benign. Review status: criteria provided, multiple submitters, no conflicts (2 of 4 stars). 3 submissions from 3 submitters: Benign (3). Last evaluated 2018-06-16.

Allele frequency attached by ClinVar (database versions not stated): 1000 Genomes Project 30x 0.08354; 1000 Genomes Project 0.08287; ExAC 0.10922; TOPMed 0.11359; gnomAD 0.12331 and 0.12500; ESP Exome Variant Server 0.12232; gnomAD exomes 0.15729 and 0.12195.
gnomAD v4.1: 236,819 of 1,545,894 alleles (15%); highest among the groups gnomAD compares: Non-Finnish European, 17%; 19,763 homozygotes.

Submissions (3):

GeneDx
Classification: Benign. Last evaluated: 2018-06-16. Review status: criteria provided, single submitter. Criteria: GeneDx Variant Classification (06012015). Collection method: clinical testing. Allele origin: germline. Affected: yes.
Comment: This variant is considered likely benign or benign based on one or more of the following criteria: it is a conservative change, it occurs at a poorly conserved position in the protein, it is predicted to be benign by multiple in silico algorithms, and/or has population frequency not consistent with disease.

Breakthrough Genomics
Classification: Benign. Review status: criteria provided, single submitter. Criteria: ACMG Guidelines, 2015. Collection method: not provided. Allele origin: germline. Inheritance: Autosomal recessive inheritance. Affected: yes.

PreventionGenetics, part of Exact Sciences
Classification: Benign. Review status: criteria provided, single submitter. Criteria: ACMG Guidelines, 2015. Collection method: clinical testing. Allele origin: germline.